The following is an entry in ClinVar:

NM_020964.3(EPG5):c.5960A>T (p.Tyr1987Phe)

Gene: EPG5 (ectopic P-granules 5 autophagy tethering factor; minus strand). Cytogenetic location: 18q12.3.
Variant type: single nucleotide variant.
Coding change: c.5960A>T on transcript NM_020964.3 (MANE Select); coding-DNA position 5960, A replaced by T.
Protein change: p.Tyr1987Phe; replaces tyrosine 1987 with phenylalanine.
Molecular consequence: missense variant.
Genome position (GRCh38, 1-based): chr18:45,876,325, T>A on the plus strand (A>T on the coding strand, the complement: EPG5 is on the minus strand). VCF-style: chr18-45876325-T-A. GRCh37 (hg19) VCF-style: chr18-43456290-T-A.
Other names: c.5960A>T (NM_020964.2); short protein forms Y1987F.
Identifiers: ClinVar variation 1469336 (VCV001469336.8), dbSNP rs2145364969, ClinGen allele CA402341593.
Genomic context (GRCh38, chr18:45,876,325, plus strand): 5'-CAGTCAGTGAACAGCTGCACAATGCTTGAGGCCACCACAGTATCACTCTCTAGCCAGGGG[T>A]AATGCCGCTGTTGGCTGCTTTAAAGAAAAGAAGCACACACTTAGGAATGCAACCGTGATT-3'
Protein context (NP_066015.2, residues 1977-1997): EDNESSQQRH[Tyr1987Phe]PWLESDTVVA

ClinVar aggregate classification (germline): Uncertain significance. Review status: criteria provided, multiple submitters, no conflicts (2 of 4 stars). 2 submissions from 2 submitters: Uncertain significance (2). Last evaluated 2025-12-09.

Conditions:
Vici syndrome (VICIS). Identifiers: Orphanet 1493, MedGen C1855772, MONDO:0009452, OMIM 242840.
Inborn genetic diseases. Identifiers: MedGen C0950123, MeSH D030342.

Allele frequency attached by ClinVar (database versions not stated): gnomAD exomes below 0.00001.
gnomAD v4.1: 1 of 1,613,948 alleles (0.000062%); highest among the groups gnomAD compares: Admixed American, 0.0017%; no homozygotes.

Submissions (2):

Ambry Genetics
Classification: Uncertain significance for Inborn genetic diseases. Last evaluated: 2025-12-09. Review status: criteria provided, single submitter. Criteria: Ambry Variant Classification Scheme 2023. Collection method: clinical testing. Allele origin: germline.

Labcorp Genetics (formerly Invitae), Labcorp
Classification: Uncertain significance for Vici syndrome. Last evaluated: 2021-10-09. Review status: criteria provided, single submitter. Criteria: Invitae Variant Classification Sherloc (09022015). Collection method: clinical testing. Allele origin: germline.
Comment: This sequence change replaces tyrosine with phenylalanine at codon 1987 of the EPG5 protein (p.Tyr1987Phe). The tyrosine residue is highly conserved and there is a small physicochemical difference between tyrosine and phenylalanine. In summary, the available evidence is currently insufficient to determine the role of this variant in disease. Therefore, it has been classified as a Variant of Uncertain Significance. Algorithms developed to predict the effect of missense changes on protein structure and function are either unavailable or do not agree on the potential impact of this missense change (SIFT: "Tolerated"; PolyPhen-2: "Probably Damaging"; Align-GVGD: "Class C0"). This variant has not been reported in the literature in individuals affected with EPG5-related conditions. This variant is not present in population databases (ExAC no frequency).